The following is an entry in ClinVar:

NM_201384.3(PLEC):c.13543A>G (p.Met4515Val)

Gene: PLEC (plectin; minus strand). Cytogenetic location: 8q24.3.
Variant type: single nucleotide variant.
Coding change: c.13543A>G on transcript NM_201384.3 (MANE Select); coding-DNA position 13543, A replaced by G.
Protein change: p.Met4515Val; replaces methionine 4515 with valine.
Molecular consequence: missense variant.
Genome position (GRCh38, 1-based): chr8:143,916,278, T>C on the plus strand (A>G on the coding strand, the complement: PLEC is on the minus strand). VCF-style: chr8-143916278-T-C. GRCh37 (hg19) VCF-style: chr8-144990446-T-C.
Other names: c.13624A>G, p.Met4542Val (NM_000445.5); c.13501A>G, p.Met4501Val (NM_201378.4); c.13477A>G, p.Met4493Val (NM_201379.3); c.13954A>G, p.Met4652Val (NM_201380.4); c.13447A>G, p.Met4483Val (NM_201381.3); c.13543A>G, p.Met4515Val (NM_201382.4); c.13555A>G, p.Met4519Val (NM_201383.3); short protein forms M4515V, M4542V, M4652V, M4483V, M4501V, M4519V, M4493V.
Identifiers: ClinVar variation 597640 (VCV000597640.13), dbSNP rs199960172, ClinGen allele CA4923760.

ClinVar aggregate classification (germline): Uncertain significance. Review status: criteria provided, multiple submitters, no conflicts (2 of 4 stars). 2 submissions from 2 submitters: Uncertain significance (2). Last evaluated 2025-06-23.

Conditions:
Epidermolysis bullosa simplex 5B, with muscular dystrophy (EBS5B). Also called: Epidermolysis bullosa simplex with muscular dystrophy; EPIDERMOLYSIS BULLOSA SIMPLEX AND LIMB-GIRDLE MUSCULAR DYSTROPHY. Identifiers: Orphanet 257, MedGen C2931072, MONDO:0009181, OMIM 226670.
Epidermolysis bullosa simplex, Ogna type (EBS5A). Also called: Pidermolysis bullosa simplex 5A, Ogna type; EPIDERMOLYSIS BULLOSA SIMPLEX 5A, OGNA TYPE. Identifiers: Orphanet 79401, MedGen C0432317, MONDO:0007555, OMIM 131950.
Epidermolysis bullosa simplex with nail dystrophy (EBS5D). Identifiers: MedGen C4225309, MONDO:0014661, OMIM 616487.
Autosomal recessive limb-girdle muscular dystrophy type 2Q (LGMDR17). Also called: MUSCULAR DYSTROPHY, LIMB-GIRDLE, AUTOSOMAL RECESSIVE 17. Identifiers: Orphanet 254361, MedGen C3150989, MONDO:0013390, OMIM 613723.
Epidermolysis bullosa simplex 5C, with pyloric atresia (EBS5C). Also called: PLEC-Related Epidermolysis Bullosa with Pyloric Atresia; Epidermolysis bullosa simplex with pyloric atresia; PLEC1-Related Epidermolysis Bullosa with Pyloric Atresia. Identifiers: Orphanet 158684, MedGen C2677349, MONDO:0012807, OMIM 612138.

Allele frequency attached by ClinVar (database versions not stated): gnomAD exomes 0.00001; ExAC 0.00007; TOPMed 0.00007; gnomAD 0.00009; 1000 Genomes Project 0.00020; 1000 Genomes Project 30x 0.00031.
gnomAD v4.1: 35 of 1,559,352 alleles (0.0022%); highest among the groups gnomAD compares: African/African-American, 0.02%; no homozygotes.

Submissions (2):

Labcorp Genetics (formerly Invitae), Labcorp
Classification: Uncertain significance for Autosomal recessive limb-girdle muscular dystrophy type 2Q; Epidermolysis bullosa simplex, Ogna type; Epidermolysis bullosa simplex with nail dystrophy; Epidermolysis bullosa simplex 5C, with pyloric atresia; Epidermolysis bullosa simplex 5B, with muscular dystrophy. Last evaluated: 2025-06-23. Review status: criteria provided, single submitter. Criteria: Invitae Variant Classification Sherloc (09022015). Collection method: clinical testing. Allele origin: germline.
Comment: This sequence change replaces methionine, which is neutral and non-polar, with valine, which is neutral and non-polar, at codon 4542 of the PLEC protein (p.Met4542Val). This variant is present in population databases (rs199960172, gnomAD 0.02%). This variant has not been reported in the literature in individuals affected with PLEC-related conditions. ClinVar contains an entry for this variant (Variation ID: 597640). Experimental studies and prediction algorithms are not available or were not evaluated, and the functional significance of this variant is currently unknown. In summary, the available evidence is currently insufficient to determine the role of this variant in disease. Therefore, it has been classified as a Variant of Uncertain Significance.

Eurofins Ntd Llc (ga)
Classification: Uncertain significance. Last evaluated: 2018-06-15. Review status: criteria provided, single submitter. Criteria: EGL ClinVar v180209 classification definitions. Collection method: clinical testing. Allele origin: germline. Observed: 1 variant allele, 1 heterozygote.